The following is an entry in ClinVar:

NM_130839.5(UBE3A):c.1588A>G (p.Ile530Val)

Genes: SNHG14 (small nucleolar RNA host gene 14; plus strand), UBE3A (ubiquitin protein ligase E3A; minus strand). Cytogenetic location: 15q11.2.
Variant type: single nucleotide variant.
Coding change: c.1588A>G on transcript NM_130839.5 (MANE Select); coding-DNA position 1588, A replaced by G.
Protein change: p.Ile530Val; replaces isoleucine 530 with valine.
Molecular consequence: missense variant. On other transcripts: non-coding transcript variant (1), intron variant (2).
Genome position (GRCh38, 1-based): chr15:25,370,586, T>C on the plus strand (A>G on the coding strand, the complement: UBE3A is on the minus strand). VCF-style: chr15-25370586-T-C. GRCh37 (hg19) VCF-style: chr15-25615733-T-C.
Other names: c.1597A>G, p.Ile533Val (NM_000462.5); c.1588A>G, p.Ile530Val (NM_001354505.1, NM_001354538.2, NM_001354545.2); c.1528A>G, p.Ile510Val (NM_001354506.2, NM_001354507.2, NM_001354508.2 and 17 more transcripts); c.1411A>G, p.Ile471Val (NM_001354546.2); c.301+4879A>G (NM_001354551.2); c.361+4879A>G (NM_001354550.2); short protein forms I471V, I510V, I530V, I533V.
Identifiers: ClinVar variation 3906661 (VCV003906661.1).

ClinVar aggregate classification (germline): Uncertain significance (1 of 4 stars; one submission).

Submission:

GeneDx
Classification: Uncertain significance. Last evaluated: 2024-12-17. Review status: criteria provided, single submitter. Criteria: GeneDx Variant Classification Process June 2021. Collection method: clinical testing. Allele origin: germline. Affected: yes.
Comment: Not observed at significant frequency in large population cohorts (gnomAD); In silico analysis indicates that this missense variant does not alter protein structure/function; Has not been previously published as pathogenic or benign to our knowledge